The following is an entry in ClinVar:

ClinVar aggregate classification (germline): Uncertain significance (1 of 4 stars; one submission).

Submission:

Dasa
Classification: Uncertain significance. Last evaluated: 2026-04-15. Review status: criteria provided, single submitter. Criteria: DASA Assertion Criteria. Collection method: clinical testing. Allele origin: germline.
Comment: NM_001144000.4(AGAP5):c.1263G>A (p.Trp421*) is a nonsense variant in AGAP5 predicted to introduce a premature termination codon. This variant is rare in population databases. The currently available literature and clinical evidence are not sufficient to establish a definitive association between this variant and the reported condition. Therefore, this variant is classified as a variant of uncertain significance.

NM_001144000.4(AGAP5):c.1263G>A (p.Trp421Ter)

Genes: AGAP5 (ArfGAP with GTPase domain, ankyrin repeat and PH domain 5; minus strand), SYNPO2L-AS1 (SYNPO2L antisense RNA 1; plus strand). Cytogenetic location: 10q22.2.
Variant type: single nucleotide variant.
Coding change: c.1263G>A on transcript NM_001144000.4 (MANE Select); coding-DNA position 1263, G replaced by A.
Protein change: p.Trp421Ter; replaces tryptophan 421 with a stop codon.
Molecular consequence: nonsense. On other transcripts: non-coding transcript variant (5).
Genome position (GRCh38, 1-based): chr10:73,675,397, C>T on the plus strand (G>A on the coding strand, the complement: AGAP5 is on the minus strand). VCF-style: chr10-73675397-C-T. GRCh37 (hg19) VCF-style: chr10-75435155-C-T.
Other names: short protein forms W421*.
Identifiers: ClinVar variation 4882481 (VCV004882481.2).